The following is an entry in ClinVar:

NM_000352.6(ABCC8):c.2803G>A (p.Asp935Asn)

Gene: ABCC8 (ATP binding cassette subfamily C member 8; minus strand). Cytogenetic location: 11p15.1.
Variant type: single nucleotide variant.
Coding change: c.2803G>A on transcript NM_000352.6 (MANE Select); coding-DNA position 2803, G replaced by A.
Protein change: p.Asp935Asn; replaces aspartic acid 935 with asparagine.
Molecular consequence: missense variant. On other transcripts: non-coding transcript variant (1).
Genome position (GRCh38, 1-based): chr11:17,408,409, C>T on the plus strand (G>A on the coding strand, the complement: ABCC8 is on the minus strand). VCF-style: chr11-17408409-C-T. GRCh37 (hg19) VCF-style: chr11-17429956-C-T.
Other names: c.2803G>A (NM_000352.4); c.2803G>A, p.Asp935Asn (NM_001351296.2); c.2800G>A, p.Asp934Asn (NM_001351297.2); c.2806G>A, p.Asp936Asn (NM_001287174.3); c.2869G>A, p.Asp957Asn (NM_001351295.2); short protein forms D934N, D935N, D936N, D957N.
Identifiers: ClinVar variation 1309210 (VCV001309210.3), dbSNP rs778384865, ClinGen allele CA5903025.

ClinVar aggregate classification (germline): Uncertain significance. Review status: criteria provided, multiple submitters, no conflicts (2 of 4 stars). 2 submissions from 2 submitters: Uncertain significance (2). Last evaluated 2025-05-06.

Conditions:
ABCC8-related disorder.

Allele frequency attached by ClinVar (database versions not stated): ExAC 0.00002.
gnomAD v4.1: 7 of 1,613,580 alleles (0.00043%); highest among the groups gnomAD compares: Non-Finnish European, 0.00051%; no homozygotes.

Submissions (2):

PreventionGenetics, part of Exact Sciences
Classification: Uncertain significance for ABCC8-related condition. Last evaluated: 2025-05-06. Review status: criteria provided, single submitter. Criteria: ACMG Guidelines, 2015. Collection method: clinical testing. Allele origin: germline.
Comment: The ABCC8 c.2803G>A variant is predicted to result in the amino acid substitution p.Asp935Asn. To our knowledge, this variant has not been reported in the literature. This variant is reported in 0.0035% of alleles in individuals of European (Non-Finnish) descent in gnomAD. At this time, the clinical significance of this variant is uncertain due to the absence of conclusive functional and genetic evidence.

GeneDx
Classification: Uncertain significance. Last evaluated: 2019-10-08. Review status: criteria provided, single submitter. Criteria: GeneDx Variant Classification Process June 2021. Collection method: clinical testing. Allele origin: germline. Affected: yes.
Comment: Not observed at a significant frequency in large population cohorts (Lek et al., 2016); In silico analysis, which includes protein predictors and evolutionary conservation, supports a deleterious effect; Has not been previously published as pathogenic or benign to our knowledge